The following is an entry in ClinVar:

ClinVar aggregate classification (germline): Uncertain significance (1 of 4 stars; one submission).

Conditions:
Dilated cardiomyopathy 1G (CMD1G). Identifiers: Orphanet 154, MedGen C1858763, MONDO:0011400, OMIM 604145.
Autosomal recessive limb-girdle muscular dystrophy type 2J (LGMDR10). Also called: Limb-girdle muscular dystrophy, type 2J; MUSCULAR DYSTROPHY, LIMB-GIRDLE, AUTOSOMAL RECESSIVE 10. Identifiers: Orphanet 140922, MedGen C1837342, MONDO:0012127, OMIM 608807.

gnomAD v4.1: 1 of 1,613,302 alleles (0.000062%); highest among the groups gnomAD compares: Non-Finnish European, 0.000085%; no homozygotes.

Submission:

Labcorp Genetics (formerly Invitae), Labcorp
Classification: Uncertain significance for Dilated cardiomyopathy 1G; Autosomal recessive limb-girdle muscular dystrophy type 2J. Last evaluated: 2024-02-11. Review status: criteria provided, single submitter. Criteria: Invitae Variant Classification Sherloc (09022015). Collection method: clinical testing. Allele origin: germline.
Comment: This sequence change replaces glycine, which is neutral and non-polar, with glutamic acid, which is acidic and polar, at codon 35814 of the TTN protein (p.Gly35814Glu). This variant is not present in population databases (gnomAD no frequency). This variant has not been reported in the literature in individuals affected with TTN-related conditions. Algorithms developed to predict the effect of missense changes on protein structure and function output the following: SIFT: "Not Available"; PolyPhen-2: "Not Available"; Align-GVGD: "Not Available". The glutamic acid amino acid residue is found in multiple mammalian species, which suggests that this missense change does not adversely affect protein function. This variant is located in the M band of TTN (PMID: 25589632). Non-truncating variants in this region may be relevant for neuromuscular disorders, but have not been definitively shown to cause cardiomyopathy (PMID: 23975875). In summary, the available evidence is currently insufficient to determine the role of this variant in disease. Therefore, it has been classified as a Variant of Uncertain Significance.

Literature cited by the submitters: PubMed 25589632; PubMed 23975875.

NM_001267550.2(TTN):c.107441G>A (p.Gly35814Glu)

Genes: TTN (titin; minus strand), TTN-AS1 (TTN antisense RNA 1; plus strand). Cytogenetic location: 2q31.2.
Variant type: single nucleotide variant.
Coding change: c.107441G>A on transcript NM_001267550.2 (MANE Select); coding-DNA position 107441, G replaced by A.
Protein change: p.Gly35814Glu; replaces glycine 35814 with glutamic acid.
Molecular consequence: missense variant.
Genome position (GRCh38, 1-based): chr2:178,527,685, C>T on the plus strand (G>A on the coding strand, the complement: TTN is on the minus strand). VCF-style: chr2-178527685-C-T. GRCh37 (hg19) VCF-style: chr2-179392412-C-T.
Other names: c.102518G>A, p.Gly34173Glu (NM_001256850.1); c.80246G>A, p.Gly26749Glu (NM_003319.4); c.99737G>A, p.Gly33246Glu (NM_133378.4); c.80621G>A, p.Gly26874Glu (NM_133432.3); c.80822G>A, p.Gly26941Glu (NM_133437.4); short protein forms G26749E, G26874E, G26941E, G33246E, G34173E, G35814E.
Identifiers: ClinVar variation 3747997 (VCV003747997.2).